The following is an entry in ClinVar:

NM_000455.5(STK11):c.464+1G>T

Gene: STK11 (serine/threonine kinase 11; plus strand). Cytogenetic location: 19p13.3.
Variant type: single nucleotide variant.
Coding change: c.464+1G>T on transcript NM_000455.5 (MANE Select); the canonical splice donor site of the intron after coding-DNA position 464, G replaced by T.
Molecular consequence: splice donor variant.
Genome position (GRCh38, 1-based): chr19:1,219,414, G>T. VCF-style: chr19-1219414-G-T. GRCh37 (hg19) VCF-style: chr19-1219413-G-T.
Other names: c.464+1G>T (NM_001407255.1).
Identifiers: ClinVar variation 1359873 (VCV001359873.11), dbSNP rs730881971, ClinGen allele CA023005.

ClinVar aggregate classification (germline): Pathogenic. Review status: criteria provided, multiple submitters, no conflicts (2 of 4 stars). 2 submissions from 2 submitters: Pathogenic (2). Last evaluated 2026-07-24.
ClinVar aggregate classification (oncogenicity): Likely oncogenic (1 of 4 stars; one submission).

Conditions:
Hereditary cancer-predisposing syndrome. Also called: Hereditary Cancer Syndrome; Neoplastic Syndromes, Hereditary; Hereditary neoplastic syndrome; Tumor predisposition. Identifiers: Orphanet 140162, MedGen C0027672, MeSH D009386, MONDO:0015356.
Peutz-Jeghers syndrome (PJS). Also called: POLYPOSIS, HAMARTOMATOUS INTESTINAL; POLYPS-AND-SPOTS SYNDROME; Peutz-Jeghers polyposis; Periorificial lentiginosis syndrome. Identifiers: Orphanet 2869, MedGen C0031269, MeSH D010580, MONDO:0008280, OMIM 175200.
Neoplasm. Also called: Neoplasms; Neoplasm (disease); tumor. Identifiers: MedGen C0027651, MeSH D009369, MONDO:0005070, HP:0002664.

Submissions (4):

Ambry Genetics
Classification: Pathogenic for Hereditary cancer-predisposing syndrome. Last evaluated: 2026-07-24. Review status: criteria provided, single submitter. Criteria: Ambry Variant Classification Scheme 2023. Collection method: clinical testing. Allele origin: germline.
Comment: The c.464+1G>T intronic pathogenic mutation results from a G to T substitution one nucleotide after coding exon 3 of the STK11 gene. Variants that disrupt the canonical splice site are expected to result in aberrant splicing. In silico splice site analysis predicts that this alteration will weaken the native splice donor site. A resulting transcript is predicted to be in-frame and is not expected to trigger nonsense-mediated mRNA decay; although, direct evidence is unavailable. However, the region predicted to be impacted is critical for protein function and a significant portion of the protein is predicted to be impacted (Ambry internal data). This variant was reported in individual(s) with features consistent with Peutz-Jeghers syndrome (Ambry internal data). This variant is considered to be rare based on population cohorts in the Genome Aggregation Database (gnomAD). This nucleotide position is highly conserved in available vertebrate species. Based on the supporting evidence, this variant is interpreted as a disease-causing mutation.

Center for Genomic Medicine, Rigshospitalet, Copenhagen University Hospital
Classification: Likely oncogenic for Neoplasm. Last evaluated: 2025-12-29. Review status: criteria provided, single submitter. Criteria: ClinGen/CGC/VICC Guidelines for Oncogenicity, 2022. Collection method: clinical testing. Allele origin: somatic. Affected: yes.

Labcorp Genetics (formerly Invitae), Labcorp
Classification: Pathogenic for Peutz-Jeghers syndrome. Last evaluated: 2022-09-19. Review status: criteria provided, single submitter. Criteria: Invitae Variant Classification Sherloc (09022015). Collection method: clinical testing. Allele origin: germline.
Comment: Algorithms developed to predict the effect of sequence changes on RNA splicing suggest that this variant may disrupt the consensus splice site. For these reasons, this variant has been classified as Pathogenic. ClinVar contains an entry for this variant (Variation ID: 1359873). Disruption of this splice site has been observed in individuals with Peutz-Jeghers syndrome (PMID: 30528796; Invitae). This variant is not present in population databases (gnomAD no frequency). This sequence change affects a donor splice site in intron 3 of the STK11 gene. It is expected to disrupt RNA splicing. Variants that disrupt the donor or acceptor splice site typically lead to a loss of protein function (PMID: 16199547), and loss-of-function variants in STK11 are known to be pathogenic (PMID: 15188174, 16287113).

Dr. Peter K. Rogan Lab, Western University
No classification provided (evidence only). Condition: Lung cancer. Review status: no classification provided. Collection method: in vitro. Allele origin: not applicable. Functional consequence: retained intron. Not counted in ClinVar's aggregate classification.

Literature cited by the submitters: PubMed 30528796 (cited by Center for Genomic Medicine, Rigshospitalet, Copenhagen University Hospital and Labcorp Genetics (formerly Invitae), Labcorp); PubMed 16199547 (cited by Labcorp Genetics (formerly Invitae), Labcorp); PubMed 15188174 (cited by Labcorp Genetics (formerly Invitae), Labcorp); PubMed 16287113 (cited by Labcorp Genetics (formerly Invitae), Labcorp).